The following is an entry in ClinVar:

NM_001114753.3(ENG):c.1311G>A (p.Arg437=)

Genes: ENG (endoglin; minus strand), LOC102723566 (uncharacterized LOC102723566; plus strand). Cytogenetic location: 9q34.11.
Variant type: single nucleotide variant.
Coding change: c.1311G>A on transcript NM_001114753.3 (MANE Select); coding-DNA position 1311, G replaced by A.
Protein change: p.Arg437=; no amino-acid change (arginine 437 retained).
Molecular consequence: synonymous variant.
Genome position (GRCh38, 1-based): chr9:127,819,622, C>T on the plus strand (G>A on the coding strand, the complement: ENG is on the minus strand). VCF-style: chr9-127819622-C-T. GRCh37 (hg19) VCF-style: chr9-130581901-C-T.
Other names: c.1311G>A, p.Arg437= (NM_000118.4); c.765G>A, p.Arg255= (NM_001278138.2).
Identifiers: ClinVar variation 854739 (VCV000854739.20), dbSNP rs1554809448, ClinGen allele CA467227928.

ClinVar aggregate classification (germline): Pathogenic. Review status: criteria provided, multiple submitters, no conflicts (2 of 4 stars). 4 submissions from 4 submitters: Pathogenic (4). Last evaluated 2026-09-03.

Conditions:
Hereditary hemorrhagic telangiectasia (HHT). Also called: ORW DISEASE; Osler Weber Rendu syndrome; OSLER-RENDU-WEBER DISEASE; Osler hemorrhagic telangiectasia syndrome. Identifiers: Orphanet 774, MedGen C0039445, MONDO:0019180. Disease mechanism: loss of function.
Telangiectasia, hereditary hemorrhagic, type 1 (HHT1). Also called: Osler Weber Rendu syndrome type 1; ENG-Related Hereditary Hemorrhagic Telangiectasia. Identifiers: Orphanet 774, MedGen C4551861, MONDO:0008535, OMIM 187300. Disease mechanism: loss of function.
Cardiovascular phenotype. Identifiers: MedGen CN230736.

Submissions (4):

Ambry Genetics
Classification: Pathogenic for Cardiovascular phenotype. Last evaluated: 2026-09-03. Review status: criteria provided, single submitter. Criteria: Ambry Variant Classification Scheme 2023. Collection method: clinical testing. Allele origin: germline.
Comment: The c.1311G>A variant (also known as p.R437R), located in coding exon 10 of the ENG gene, results from a G to A substitution at nucleotide position 1311. This nucleotide substitution does not change the at codon 437. However, this change occurs in the last base pair of coding exon 10, which makes it likely to have some effect on normal mRNA splicing. This mutation was detected in multiple individuals meeting clinical diagnostic criteria for hereditary hemorrhagic telangiectasia (HHT) (Letteboer TG et al. Hum. Genet., 2005 Jan;116:8-16). In addition, other alterations at this nucleotide position, c.1311G>C and c.1311G>T, have also been described in numerous unrelated individuals with HHT (Gallione CJ et al. Hum. Mutat., 1998;11:286-94; McDonald J et al. Clin. Genet., 2011 Apr;79:335-44). Based on the supporting evidence, this alteration is interpreted as a disease-causing mutation.

Labcorp Genetics (formerly Invitae), Labcorp
Classification: Pathogenic for Hereditary hemorrhagic telangiectasia. Last evaluated: 2025-12-10. Review status: criteria provided, single submitter. Criteria: Invitae Variant Classification Sherloc (09022015). Collection method: clinical testing. Allele origin: germline.
Comment: This sequence change affects codon 437 of the ENG mRNA. It is a 'silent' change, meaning that it does not change the encoded amino acid sequence of the ENG protein. This variant also falls at the last nucleotide of exon 10, which is part of the consensus splice site for this exon. This variant is not present in population databases (gnomAD no frequency). This variant has been observed in individuals with hereditary hemorrhagic telangiectasia (PMID: 15517393). ClinVar contains an entry for this variant (Variation ID: 854739). Variants that disrupt the consensus splice site are a relatively common cause of aberrant splicing (PMID: 17576681, 9536098). Algorithms developed to predict the effect of sequence changes on RNA splicing suggest that this variant may disrupt the consensus splice site. This variant disrupts the c.1311G nucleotide in the ENG gene. Other variant(s) that disrupt this nucleotide have been determined to be pathogenic (PMID: 9554745, 21158752). This suggests that this nucleotide is clinically significant, and that variants that disrupt this position are likely to be disease-causing. For these reasons, this variant has been classified as Pathogenic.

Impact Genetics, Dynacare/LabCorp
Classification: Pathogenic for Telangiectasia, hereditary hemorrhagic, type 1. Last evaluated: 2024-12-05. Review status: criteria provided, single submitter. Criteria: DeMille et al. (Hum Mutat. 2024). Collection method: clinical testing. Allele origin: germline.
Comment: PM2_supporting, PP1_strong, PP3, PM5_strong

ARUP Laboratories, Molecular Genetics and Genomics, ARUP Laboratories
Classification: Pathogenic for Telangiectasia, hereditary hemorrhagic, type 1. Last evaluated: 2019-12-04. Review status: criteria provided, single submitter. Criteria: ARUP Molecular Germline Variant Investigation Process. Collection method: clinical testing. Allele origin: germline.
Comment: The ENG c.1311G>A; p.Arg437Arg variant is reported in the literature in five individuals affected with hereditary hemorrhagic telangiectasia (HHT) (Letteboer 2005). The five affected individuals with this variant were determined to share a common ancestor in the year 1745 (Letteboer 2005), suggesting the variant has segregated with disease over numerous meioses. The c.1311G>A variant is absent from general population databases (Exome Variant Server, Genome Aggregation Database), indicating it is not a common polymorphism. This is a synonymous variant in a moderately conserved nucleotide at the end of exon 10, and computational analyses (Alamut v.2.11) predict that this variant may impact splicing by weakening the nearby canonical donor splice site, although this has not yet been verified by RNA studies. Still, other variants at the same nucleotide (c.1311G>C, c.1311G>T) have been reported in individuals with HHT and are considered disease-causing (Gallione 1998, McDonald 2011), suggesting this position may be intolerant to sequence variation. Based on available information, the c.1311G>A variant is considered to be pathogenic. References: Gallione CJ et al. Mutation and expression analysis of the endoglin gene in hereditary hemorrhagic telangiectasia reveals null alleles. Hum Mutat. 1998;11(4):286-94. Letteboer TG et al. Hereditary hemorrhagic telangiectasia: ENG and ALK-1 mutations in Dutch patients. Hum Genet. 2005 Jan;116(1-2):8-16. McDonald J et al. Molecular diagnosis in hereditary hemorrhagic telangiectasia: findings in a series tested simultaneously by sequencing and deletion/duplication analysis. Clin Genet. 2011 Apr;79(4):335-44.

Literature cited by the submitters: PubMed 15517393 (cited by 3 submitters); PubMed 21158752 (cited by 3 submitters); PubMed 9554745 (cited by 3 submitters); PubMed 17576681 (cited by Labcorp Genetics (formerly Invitae), Labcorp and Impact Genetics, Dynacare/LabCorp); PubMed 9536098 (cited by Labcorp Genetics (formerly Invitae), Labcorp and Impact Genetics, Dynacare/LabCorp).